The following is an entry in ClinVar:

NM_014611.3(MDN1):c.7157C>T (p.Ala2386Val)

Gene: MDN1 (midasin AAA ATPase 1; minus strand). Cytogenetic location: 6q15.
Variant type: single nucleotide variant.
Coding change: c.7157C>T on transcript NM_014611.3 (MANE Select); coding-DNA position 7157, C replaced by T.
Protein change: p.Ala2386Val; replaces alanine 2386 with valine.
Molecular consequence: missense variant.
Genome position (GRCh38, 1-based): chr6:89,713,209, G>A on the plus strand (C>T on the coding strand, the complement: MDN1 is on the minus strand). VCF-style: chr6-89713209-G-A. GRCh37 (hg19) VCF-style: chr6-90422928-G-A.
Other names: short protein forms A2386V.
Identifiers: ClinVar variation 3040672 (VCV003040672.2), dbSNP rs115382023, ClinGen allele CA3924361.

ClinVar aggregate classification (germline): Benign (0 of 4 stars; one submission).

Conditions:
MDN1-related disorder. Also called: MDN1-related condition.

Allele frequency attached by ClinVar (database versions not stated): gnomAD exomes 0.00047; ExAC 0.00188; gnomAD 0.00599; 1000 Genomes Project 30x 0.00640; 1000 Genomes Project 0.00679; TOPMed 0.00688; ESP Exome Variant Server 0.00715.
gnomAD v4.1: 1,639 of 1,614,090 alleles (0.1%); highest among the groups gnomAD compares: African/African-American, 1.9%; 15 homozygotes.

Submission:

PreventionGenetics, part of Exact Sciences
Classification: Benign for MDN1-related condition. Last evaluated: 2019-03-08. Review status: no assertion criteria provided. Collection method: clinical testing. Allele origin: germline.
Comment: This variant is classified as benign based on ACMG/AMP sequence variant interpretation guidelines (Richards et al. 2015 PMID: 25741868, with internal and published modifications).